The following is an entry in ClinVar:

NM_000257.4(MYH7):c.4138A>G (p.Ile1380Val)

Gene: MYH7 (myosin heavy chain 7; minus strand). Cytogenetic location: 14q11.2.
Variant type: single nucleotide variant.
Coding change: c.4138A>G on transcript NM_000257.4 (MANE Select); coding-DNA position 4138, A replaced by G.
Protein change: p.Ile1380Val; replaces isoleucine 1380 with valine.
Molecular consequence: missense variant.
Genome position (GRCh38, 1-based): chr14:23,418,241, T>C on the plus strand (A>G on the coding strand, the complement: MYH7 is on the minus strand). VCF-style: chr14-23418241-T-C. GRCh37 (hg19) VCF-style: chr14-23887450-T-C.
Other names: short protein forms I1380V.
Identifiers: ClinVar variation 838610 (VCV000838610.13), dbSNP rs777589215, ClinGen allele CA040518.

ClinVar aggregate classification (germline): Uncertain significance. Review status: criteria provided, multiple submitters, no conflicts (2 of 4 stars). 4 submissions from 4 submitters: Uncertain significance (4). Last evaluated 2026-04-17.

Conditions:
Dilated cardiomyopathy 1S (CMD1S). Identifiers: Orphanet 154, Orphanet 54260, MedGen C1834481, MONDO:0013262, OMIM 613426.
Cardiovascular phenotype. Identifiers: MedGen CN230736.
Hypertrophic cardiomyopathy. Also called: HYPERTROPHIC MYOCARDIOPATHY. Identifiers: Orphanet 217569, MedGen C0007194, MeSH D002312, MONDO:0005045, HP:0001639.
Cardiomyopathy (CMYO). Also called: Cardiomyopathies. Identifiers: Orphanet 167848, MedGen C0878544, MONDO:0004994, HP:0001638. Inheritance: Various modes of inheritance.

Allele frequency attached by ClinVar (database versions not stated): gnomAD exomes below 0.00001 and 0.00001; TOPMed 0.00001; ExAC 0.00001.
gnomAD v4.1: 9 of 1,613,538 alleles (0.00056%); highest among the groups gnomAD compares: Non-Finnish European, 0.00076%; no homozygotes.

Submissions (4):

Victorian Clinical Genetics Services, Murdoch Childrens Research Institute
Classification: Uncertain significance for Dilated cardiomyopathy 1S. Last evaluated: 2026-04-17. Review status: criteria provided, single submitter. Criteria: ACMG Guidelines, 2015. Collection method: clinical testing. Allele origin: germline. Affected: yes.
Comment: This variant is classified as VUS-3B. Evidence in support of pathogenic classification: Variant is present in gnomAD <0.01 (v4: 9 heterozygote(s), 0 homozygote(s)). Additional information: Variant is predicted to result in a missense amino acid change from Ile to Val; This variant is heterozygous; This gene is associated with both recessive and dominant disease. Disease associated with this gene usually has autosomal dominant inheritance; however, a recessive inheritance pattern has been observed in severe cases (OMIM); Previous evidence of pathogenicity for this variant is inconclusive. This variant has been classified as a VUS by clinical laboratories in ClinVar. - No published evidence of segregation with disease has been identified for this variant; No published functional evidence has been identified for this variant; Another missense variant(s) comparable to the one identified in this case has inconclusive previous evidence for pathogenicity. p.(Ile1380Phe) has been reported in a cohort of HCM patients; however, the authors have classified this as a VUS (PMID: 33495597); Variant is located in the annotated myosin tail domain (DECIPHER). - Missense variant with inconclusive in silico prediction and/or uninformative conservation; The mechanism of disease for this gene is not clearly established; however, missense variants have been proposed to act in a dominant negative manner (PMID: 24714796); The condition associated with this gene has incomplete penetrance (PMID: 29300372); Inheritance information for this variant is not currently available in this individual.

Labcorp Genetics (formerly Invitae), Labcorp
Classification: Uncertain significance for Hypertrophic cardiomyopathy. Last evaluated: 2025-02-07. Review status: criteria provided, single submitter. Criteria: Invitae Variant Classification Sherloc (09022015). Collection method: clinical testing. Allele origin: germline.
Comment: This sequence change replaces isoleucine, which is neutral and non-polar, with valine, which is neutral and non-polar, at codon 1380 of the MYH7 protein (p.Ile1380Val). This variant is present in population databases (rs777589215, gnomAD 0.0009%). This variant has not been reported in the literature in individuals affected with MYH7-related conditions. ClinVar contains an entry for this variant (Variation ID: 838610). Invitae Evidence Modeling of protein sequence and biophysical properties (such as structural, functional, and spatial information, amino acid conservation, physicochemical variation, residue mobility, and thermodynamic stability) has been performed for this missense variant. However, the output from this modeling did not meet the statistical confidence thresholds required to predict the impact of this variant on MYH7 protein function. In summary, the available evidence is currently insufficient to determine the role of this variant in disease. Therefore, it has been classified as a Variant of Uncertain Significance.

All of Us Research Program, National Institutes of Health
Classification: Uncertain significance for Cardiomyopathy. Last evaluated: 2023-10-23. Review status: criteria provided, single submitter. Criteria: ACMG Guidelines, 2015. Collection method: clinical testing. Allele origin: germline. Inheritance: Autosomal dominant inheritance. Observed: 2 variant alleles, 2 heterozygotes.
Comment: This missense variant replaces isoleucine with valine at codon 1380 of the MYH7 protein. Computational prediction suggests that this variant may not impact protein structure and function (internally defined REVEL score threshold <= 0.5, PMID: 27666373). To our knowledge, functional studies have not been reported for this variant. This variant has not been reported in individuals affected with MYH7-related disorders in the literature. This variant has been identified in 1/251482 chromosomes in the general population by the Genome Aggregation Database (gnomAD). The available evidence is insufficient to determine the role of this variant in disease conclusively. Therefore, this variant is classified as a Variant of Uncertain Significance.

This study involves interpretation of variants in research participants for the purpose of population health screening. Participant phenotype was not available at the time of variant classification. Additional details can be found in publication PMID: 35346344, PMCID: PMC8962531

Ambry Genetics
Classification: Uncertain significance for Cardiovascular phenotype. Last evaluated: 2022-10-26. Review status: criteria provided, single submitter. Criteria: Ambry Variant Classification Scheme 2023. Collection method: clinical testing. Allele origin: germline.
Comment: The p.I1380V variant (also known as c.4138A>G), located in coding exon 28 of the MYH7 gene, results from an A to G substitution at nucleotide position 4138. The isoleucine at codon 1380 is replaced by valine, an amino acid with highly similar properties. This amino acid position is highly conserved in available vertebrate species. In addition, the in silico prediction for this alteration is inconclusive. Since supporting evidence is limited at this time, the clinical significance of this alteration remains unclear.

Literature cited by the submitters: PubMed 33495597 (cited by Victorian Clinical Genetics Services, Murdoch Childrens Research Institute); PubMed 24714796 (cited by Victorian Clinical Genetics Services, Murdoch Childrens Research Institute); PubMed 29300372 (cited by Victorian Clinical Genetics Services, Murdoch Childrens Research Institute).